The following is an entry in ClinVar:

ClinVar aggregate classification (germline): Uncertain significance (1 of 4 stars; one submission).

Submission:

Labcorp Genetics (formerly Invitae), Labcorp
Classification: Uncertain significance. Last evaluated: 2025-11-10. Review status: criteria provided, single submitter. Criteria: Invitae Variant Classification Sherloc (09022015). Collection method: clinical testing. Allele origin: germline.
Comment: This sequence change replaces serine, which is neutral and polar, with alanine, which is neutral and non-polar, at codon 1585 of the SORL1 protein (p.Ser1585Ala). This variant is not present in population databases (gnomAD no frequency). This variant has not been reported in the literature in individuals affected with SORL1-related conditions. An algorithm developed to predict the effect of missense changes on protein structure and function outputs the following: PolyPhen-2: "Benign". The alanine amino acid residue is found in multiple mammalian species, which suggests that this missense change does not adversely affect protein function. In summary, the available evidence is currently insufficient to determine the role of this variant in disease. Therefore, it has been classified as a Variant of Uncertain Significance.

NM_003105.6(SORL1):c.4753T>G (p.Ser1585Ala)

Gene: SORL1 (sortilin related receptor 1; plus strand). Cytogenetic location: 11q24.1.
Variant type: single nucleotide variant.
Coding change: c.4753T>G on transcript NM_003105.6 (MANE Select); coding-DNA position 4753, T replaced by G.
Protein change: p.Ser1585Ala; replaces serine 1585 with alanine.
Molecular consequence: missense variant.
Genome position (GRCh38, 1-based): chr11:121,605,214, T>G. VCF-style: chr11-121605214-T-G. GRCh37 (hg19) VCF-style: chr11-121475923-T-G.
Other names: short protein forms S1585A.
Identifiers: ClinVar variation 4711878 (VCV004711878.1).